The following is an entry in ClinVar:

NM_002474.3(MYH11):c.605A>C (p.His202Pro)

Gene: MYH11 (myosin heavy chain 11; minus strand). Cytogenetic location: 16p13.11.
Variant type: single nucleotide variant.
Coding change: c.605A>C on transcript NM_002474.3 (MANE Select); coding-DNA position 605, A replaced by C.
Protein change: p.His202Pro; replaces histidine 202 with proline.
Molecular consequence: missense variant.
Genome position (GRCh38, 1-based): chr16:15,786,658, T>G on the plus strand (A>C on the coding strand, the complement: MYH11 is on the minus strand). VCF-style: chr16-15786658-T-G. GRCh37 (hg19) VCF-style: chr16-15880515-T-G.
Other names: c.605A>C, p.His202Pro (NM_001040113.2, NM_001040114.2, NM_022844.3); short protein forms H202P.
Identifiers: ClinVar variation 636782 (VCV000636782.13), dbSNP rs369194676, ClinGen allele CA278600356.

ClinVar aggregate classification (germline): Uncertain significance. Review status: criteria provided, multiple submitters, no conflicts (2 of 4 stars). 5 submissions from 5 submitters: Uncertain significance (5). Last evaluated 2025-09-11.

Conditions:
Aortic aneurysm, familial thoracic 4 (AAT4). Also called: AORTIC ANEURYSM/AORTIC DISSECTION AND PATENT DUCTUS ARTERIOSUS. Identifiers: MedGen C1851504, MONDO:0007568, OMIM 132900.
Familial thoracic aortic aneurysm and aortic dissection (TAAD). Also called: Thoracic aortic aneurysms and dissections. Identifiers: Orphanet 91387, MedGen C4707243, MONDO:0019625.

gnomAD v4.1: 3 of 1,614,178 alleles (0.00019%); highest among the groups gnomAD compares: Non-Finnish European, 0.000085%; no homozygotes.

Submissions (5):

Labcorp Genetics (formerly Invitae), Labcorp
Classification: Uncertain significance for Aortic aneurysm, familial thoracic 4. Last evaluated: 2025-09-11. Review status: criteria provided, single submitter. Criteria: Invitae Variant Classification Sherloc (09022015). Collection method: clinical testing. Allele origin: germline.
Comment: This sequence change replaces histidine, which is basic and polar, with proline, which is neutral and non-polar, at codon 202 of the MYH11 protein (p.His202Pro). This variant is not present in population databases (gnomAD no frequency). This variant has not been reported in the literature in individuals affected with MYH11-related conditions. ClinVar contains an entry for this variant (Variation ID: 636782). Invitae Evidence Modeling of protein sequence and biophysical properties (such as structural, functional, and spatial information, amino acid conservation, physicochemical variation, residue mobility, and thermodynamic stability) indicates that this missense variant is not expected to disrupt MYH11 protein function with a negative predictive value of 95%. In summary, the available evidence is currently insufficient to determine the role of this variant in disease. Therefore, it has been classified as a Variant of Uncertain Significance.

Ambry Genetics
Classification: Uncertain significance for Familial thoracic aortic aneurysm and aortic dissection. Last evaluated: 2024-09-15. Review status: criteria provided, single submitter. Criteria: Ambry Variant Classification Scheme 2023. Collection method: clinical testing. Allele origin: germline.
Comment: The p.H202P variant (also known as c.605A>C), located in coding exon 4 of the MYH11 gene, results from an A to C substitution at nucleotide position 605. The histidine at codon 202 is replaced by proline, an amino acid with similar properties. This amino acid position is conserved. In addition, this alteration is predicted to be deleterious by in silico analysis. Since supporting evidence is limited at this time, the clinical significance of this alteration remains unclear.

Color Diagnostics, LLC DBA Color Health
Classification: Uncertain significance for Familial thoracic aortic aneurysm and aortic dissection. Last evaluated: 2023-12-05. Review status: criteria provided, single submitter. Criteria: ACMG Guidelines, 2015. Collection method: clinical testing. Allele origin: germline.
Comment: This missense variant replaces histidine with proline at codon 202 of the MYH11 protein. Computational prediction tools and conservation analyses are inconclusive regarding the impact of this variant on protein structure and function. Splice site prediction tools suggest that this variant may not impact RNA splicing. To our knowledge, functional studies have not been performed for this variant. This variant has not been reported in individuals affected with cardiovascular disorders in the literature. This variant has not been identified in the general population by the Genome Aggregation Database (gnomAD). The available evidence is insufficient to determine the role of this variant in disease conclusively. Therefore, this variant is classified as a Variant of Uncertain Significance.

AiLife Diagnostics
Classification: Uncertain significance. Last evaluated: 2022-01-12. Review status: criteria provided, single submitter. Criteria: ACMG Guidelines, 2015. Collection method: clinical testing. Allele origin: germline. Affected: yes. Observed: 1 variant allele.

Blueprint Genetics
Classification: Uncertain significance. Last evaluated: 2018-09-03. Review status: criteria provided, single submitter. Criteria: ACMG Guidelines, 2015. Collection method: clinical testing. Allele origin: germline.